The following is an entry in ClinVar:

ClinVar aggregate classification (germline): Conflicting classifications of pathogenicity. Review status: criteria provided, conflicting classifications (1 of 4 stars). 2 submissions from 2 submitters: Uncertain significance (1); Benign (1). Last evaluated 2024-09-30.

Conditions:
Hereditary cancer-predisposing syndrome. Also called: Neoplastic Syndromes, Hereditary; Hereditary Cancer Syndrome; Tumor predisposition; Hereditary neoplastic syndrome. Identifiers: Orphanet 140162, MedGen C0027672, MeSH D009386, MONDO:0015356.
Familial adenomatous polyposis 1 (FAP1). Also called: FAMILIAL ADENOMATOUS POLYPOSIS 1, ATTENUATED; POLYPOSIS, ADENOMATOUS INTESTINAL. Identifiers: MedGen C2713442, MONDO:0021056, OMIM 175100. Disease mechanism: loss of function.

Submissions (2):

Myriad Genetics, Inc.
Classification: Benign for Familial adenomatous polyposis 1. Last evaluated: 2024-09-30. Review status: criteria provided, single submitter. Criteria: Myriad Autosomal Dominant, Autosomal Recessive and X-Linked Classification Criteria (2023). Collection method: clinical testing. Allele origin: unknown.
Comment: This variant is considered benign. This variant occurs in the non-coding 3' untranslated region of the gene, and is not expected to impact protein function.

Color Diagnostics, LLC DBA Color Health
Classification: Uncertain significance for Hereditary cancer-predisposing syndrome. Last evaluated: 2019-02-28. Review status: criteria provided, single submitter. Criteria: ACMG Guidelines, 2015. Collection method: clinical testing. Allele origin: germline.

NM_000038.6(APC):c.*2AG[1]

Gene: APC (APC regulator of Wnt signaling pathway; plus strand). Cytogenetic location: 5q22.2.
Variant type: Microsatellite.
Coding change: c.*2AG[1] on transcript NM_000038.6 (MANE Select); one copy of the 2-base unit AG starting at c.*2; the reference has three copies in a row; two copies, 4 bases deleted.
Molecular consequence: 3 prime UTR variant.
Genome position (GRCh38, 1-based): chr5:112,844,130-112,844,133, AGAG deleted; deleting any 4 consecutive bases within chr5:112,844,128-112,844,133 gives the same sequence; the position shown is the placement nearest the transcript's 3' end. VCF-style (leftmost placement, unchanged base first): chr5-112844127-AAGAG-A. GRCh37 (hg19) VCF-style: chr5-112179824-AAGAG-A.
Other names: c.*2AG[1] (NM_001127510.3, NM_001127511.3, NM_001354895.2 and 11 more transcripts).
Identifiers: ClinVar variation 927193 (VCV000927193.3), dbSNP rs758692443, ClinGen allele CA913188216.